The following is an entry in ClinVar:

ClinVar aggregate classification (germline): Pathogenic (1 of 4 stars; one submission).

Submission:

Labcorp Genetics (formerly Invitae), Labcorp
Classification: Pathogenic. Last evaluated: 2022-02-06. Review status: criteria provided, single submitter. Criteria: Invitae Variant Classification Sherloc (09022015). Collection method: clinical testing. Allele origin: germline.
Comment: For these reasons, this variant has been classified as Pathogenic. This sequence change creates a premature translational stop signal (p.Ile41Leufs*2) in the MME gene. It is expected to result in an absent or disrupted protein product. Loss-of-function variants in MME are known to be pathogenic (PMID: 26991897). This variant is not present in population databases (gnomAD no frequency). This variant has not been reported in the literature in individuals affected with MME-related conditions.

Literature cited by the submitters: PubMed 26991897.

NM_007289.4(MME):c.121_125delinsCTATGA (p.Ile41_Ala42delinsLeuTer)

Gene: MME (membrane metalloendopeptidase; plus strand). Cytogenetic location: 3q25.2.
Variant type: Indel.
Coding change: c.121_125delinsCTATGA on transcript NM_007289.4 (MANE Select); coding-DNA positions 121 to 125, ATAGC replaced by CTATGA.
Protein change: p.Ile41_Ala42delinsLeuTer.
Molecular consequence: nonsense.
Genome position (GRCh38, 1-based): chr3:155,084,288-155,084,292, ATAGC replaced by CTATGA. VCF-style: chr3-155084288-ATAGC-CTATGA. GRCh37 (hg19) VCF-style: chr3-154802077-ATAGC-CTATGA.
Other names: c.121_125delinsCTATGA, p.Ile41_Ala42delinsLeuTer (NM_000902.5, NM_001354642.2, NM_001354643.1 and 3 more transcripts).
Identifiers: ClinVar variation 2094322 (VCV002094322.4), dbSNP rs2473093166, ClinGen allele CA2580068971.